The following is an entry in ClinVar:

ClinVar aggregate classification (germline): Benign/Likely benign. Review status: criteria provided, multiple submitters, no conflicts (2 of 4 stars). 5 submissions from 5 submitters: Benign (1); Likely benign (4). Last evaluated 2025-01-24.

Conditions:
Hereditary nonpolyposis colorectal neoplasms. Identifiers: MedGen C0009405, MeSH D003123.
Hereditary cancer-predisposing syndrome. Also called: Hereditary neoplastic syndrome; Tumor predisposition; Hereditary Cancer Syndrome; Neoplastic Syndromes, Hereditary. Identifiers: Orphanet 140162, MedGen C0027672, MeSH D009386, MONDO:0015356.
Lynch syndrome 5 (LYNCH5). Also called: Colorectal cancer, hereditary nonpolyposis, type 5; Hereditary non-polyposis colorectal cancer, type 5. Identifiers: Orphanet 144, MedGen C1833477, MONDO:0013710, OMIM 614350. Disease mechanism: loss of function.

Submissions (5):

Women's Health and Genetics/Laboratory Corporation of America, LabCorp
Classification: Likely benign. Last evaluated: 2025-01-24. Review status: criteria provided, single submitter. Criteria: LabCorp Variant Classification Summary - May 2015. Collection method: clinical testing. Allele origin: germline.

Myriad Genetics, Inc.
Classification: Benign for Lynch syndrome 5. Last evaluated: 2024-12-20. Review status: criteria provided, single submitter. Criteria: Myriad Autosomal Dominant, Autosomal Recessive and X-Linked Classification Criteria (2023). Collection method: clinical testing. Allele origin: unknown.
Comment: This variant is considered benign. This variant is a silent/synonymous amino acid change and it is not expected to impact splicing.

Ambry Genetics
Classification: Likely benign for Hereditary cancer-predisposing syndrome. Last evaluated: 2023-12-22. Review status: criteria provided, single submitter. Criteria: Ambry Variant Classification Scheme 2023. Collection method: clinical testing. Allele origin: germline.

Labcorp Genetics (formerly Invitae), Labcorp
Classification: Likely benign for Hereditary nonpolyposis colorectal neoplasms. Last evaluated: 2021-01-29. Review status: criteria provided, single submitter. Criteria: Invitae Variant Classification Sherloc (09022015). Collection method: clinical testing. Allele origin: germline.

Color Diagnostics, LLC DBA Color Health
Classification: Likely benign for Hereditary cancer-predisposing syndrome. Last evaluated: 2017-04-11. Review status: criteria provided, single submitter. Criteria: ACMG Guidelines, 2015. Collection method: clinical testing. Allele origin: germline.

NM_000179.3(MSH6):c.903G>A (p.Lys301=)

Gene: MSH6 (mutS homolog 6; plus strand). Cytogenetic location: 2p16.3.
Variant type: single nucleotide variant.
Coding change: c.903G>A on transcript NM_000179.3 (MANE Select); coding-DNA position 903, G replaced by A.
Protein change: p.Lys301=; no amino-acid change (lysine 301 retained).
Molecular consequence: synonymous variant. On other transcripts: 5 prime UTR variant (2).
Genome position (GRCh38, 1-based): chr2:47,798,886, G>A. VCF-style: chr2-47798886-G-A. GRCh37 (hg19) VCF-style: chr2-48026025-G-A.
Other names: c.513G>A, p.Lys171= (NM_001281492.2); c.-4G>A (NM_001281493.2, NM_001281494.2).
Identifiers: ClinVar variation 491995 (VCV000491995.18), dbSNP rs1553412337, ClinGen allele CA426120991.